The following is an entry in ClinVar:

ClinVar aggregate classification (germline): Uncertain significance (1 of 4 stars; one submission).

Conditions:
Multiple endocrine neoplasia, type 2 (MEN2). Identifiers: Orphanet 653, MedGen C4048306, MONDO:0019003. Disease mechanism: gain of function.

Submission:

Labcorp Genetics (formerly Invitae), Labcorp
Classification: Uncertain significance for Multiple endocrine neoplasia, type 2. Last evaluated: 2024-07-17. Review status: criteria provided, single submitter. Criteria: Invitae Variant Classification Sherloc (09022015). Collection method: clinical testing. Allele origin: germline.
Comment: This variant, c.755_757del, results in the deletion of 1 amino acid(s) of the RET protein (p.Glu252del), but otherwise preserves the integrity of the reading frame. This variant is not present in population databases (gnomAD no frequency). This variant has not been reported in the literature in individuals affected with RET-related conditions. ClinVar contains an entry for this variant (Variation ID: 543753). Experimental studies and prediction algorithms are not available or were not evaluated, and the functional significance of this variant is currently unknown. In summary, the available evidence is currently insufficient to determine the role of this variant in disease. Therefore, it has been classified as a Variant of Uncertain Significance.

NM_020975.6(RET):c.752AGG[1] (p.Glu252del)

Gene: RET (ret proto-oncogene; plus strand). Cytogenetic location: 10q11.21.
Variant type: Microsatellite.
Coding change: c.752AGG[1] on transcript NM_020975.6 (MANE Select); one copy of the 3-base unit AGG starting at c.752; the reference has two copies in a row; one copy, 3 bases deleted.
Protein change: p.Glu252del; deletes glutamic acid 252.
Molecular consequence: inframe deletion. On other transcripts: inframe indel (21).
Genome position (GRCh38, 1-based): chr10:43,105,081-43,105,083, AGG deleted; deleting any 3 consecutive bases within chr10:43,105,077-43,105,083 gives the same sequence; the position shown is the placement nearest the transcript's 3' end. VCF-style (leftmost placement, unchanged base first): chr10-43105076-CGAG-C. GRCh37 (hg19) VCF-style: chr10-43600524-CGAG-C.
Other names: c.752_754AGG[1], p.Glu252del (NM_000323.2, NM_001406743.1, NM_001406744.1 and 9 more transcripts); c.-11_-9AGG[1] (NM_001355216.2); c.623_625AGG[1], p.Glu209del (NM_001406761.1, NM_001406762.1, NM_001406764.1 and 2 more transcripts); c.464_466AGG[1], p.Glu156del (NM_001406766.1, NM_001406767.1, NM_001406770.1); c.755_757delAGG (NM_020975.4); short protein forms E252del, E156del, E209del.
Identifiers: ClinVar variation 543753 (VCV000543753.10), dbSNP rs1554817809, ClinGen allele CA658797412.
Genomic context (GRCh38, chr10:43,105,076, plus strand): 5'-CCGCGAGCAGCGGGAGAAGTACGAGCTGGTGGCCGTGTGCACCGTGCACGCCGGCGCGCG[CGAG>C]GAGGTGGTGATGGTGCCCTTCCCGGTGACCGTGTACGACGAGGACGACTCGGCGCCCACC-3'